The following is an entry in ClinVar:

ClinVar aggregate classification (germline): Conflicting classifications of pathogenicity. Review status: criteria provided, conflicting classifications (1 of 4 stars). 2 submissions from 2 submitters: Uncertain significance (1); Likely benign (1). Last evaluated 2025-06-09.

Conditions:
Hereditary nonpolyposis colorectal neoplasms. Identifiers: MedGen C0009405, MeSH D003123.
Hereditary cancer-predisposing syndrome. Also called: Hereditary Cancer Syndrome; Tumor predisposition; Hereditary neoplastic syndrome; Neoplastic Syndromes, Hereditary. Identifiers: Orphanet 140162, MedGen C0027672, MeSH D009386, MONDO:0015356.

gnomAD v4.1: 3 of 1,614,178 alleles (0.00019%); highest among the groups gnomAD compares: South Asian, 0.0011%; no homozygotes.

Submissions (2):

Labcorp Genetics (formerly Invitae), Labcorp
Classification: Likely benign for Hereditary nonpolyposis colorectal neoplasms. Last evaluated: 2025-06-09. Review status: criteria provided, single submitter. Criteria: Invitae Variant Classification Sherloc (09022015). Collection method: clinical testing. Allele origin: germline.

Ambry Genetics
Classification: Uncertain significance for Hereditary cancer-predisposing syndrome. Last evaluated: 2024-05-01. Review status: criteria provided, single submitter. Criteria: Ambry Variant Classification Scheme 2023. Collection method: clinical testing. Allele origin: germline.
Comment: The p.T928I variant (also known as c.2783C>T), located in coding exon 4 of the MSH6 gene, results from a C to T substitution at nucleotide position 2783. The threonine at codon 928 is replaced by isoleucine, an amino acid with similar properties. This amino acid position is highly conserved in available vertebrate species. In addition, the in silico prediction for this alteration is inconclusive. Based on the available evidence, the clinical significance of this variant remains unclear.

NM_000179.3(MSH6):c.2783C>T (p.Thr928Ile)

Gene: MSH6 (mutS homolog 6; plus strand). Cytogenetic location: 2p16.3.
Variant type: single nucleotide variant.
Coding change: c.2783C>T on transcript NM_000179.3 (MANE Select); coding-DNA position 2783, C replaced by T.
Protein change: p.Thr928Ile; replaces threonine 928 with isoleucine.
Molecular consequence: missense variant.
Genome position (GRCh38, 1-based): chr2:47,800,766, C>T. VCF-style: chr2-47800766-C-T. GRCh37 (hg19) VCF-style: chr2-48027905-C-T.
Other names: c.2393C>T, p.Thr798Ile (NM_001281492.2); c.1877C>T, p.Thr626Ile (NM_001281493.2, NM_001281494.2); short protein forms T928I, T798I, T626I.
Identifiers: ClinVar variation 1042455 (VCV001042455.12), dbSNP rs781482454, ClinGen allele CA069631.